The following is an entry in ClinVar:

NM_000203.5(IDUA):c.1151A>G (p.Lys384Arg)

Gene: IDUA (alpha-L-iduronidase; plus strand). Cytogenetic location: 4p16.3.
Variant type: single nucleotide variant.
Coding change: c.1151A>G on transcript NM_000203.5 (MANE Select); coding-DNA position 1151, A replaced by G.
Protein change: p.Lys384Arg; replaces lysine 384 with arginine.
Molecular consequence: missense variant. On other transcripts: non-coding transcript variant (1).
Genome position (GRCh38, 1-based): chr4:1,002,447, A>G. VCF-style: chr4-1002447-A-G. GRCh37 (hg19) VCF-style: chr4-996235-A-G.
Other names: p.Lys384Arg; c.755A>G, p.Lys252Arg (NM_001363576.1); short protein forms K252R, K384R.
Identifiers: ClinVar variation 4849902 (VCV004849902.1).

ClinVar aggregate classification (germline): Likely pathogenic (1 of 4 stars; one submission).

Conditions:
Hurler syndrome. Also called: MUCOPOLYSACCHARIDOSIS TYPE IH; Gargoylism, Hurler Syndrome; Severe MPS I (Hurler Syndrome). Identifiers: Orphanet 93473, MedGen C0086795, MONDO:0011758, OMIM 607014.

Submission:

Foundation for Research in Genetics and Endocrinology, FRIGE's Institute of Human Genetics
Classification: Likely pathogenic for Hurler syndrome. Last evaluated: 2026-03-05. Review status: criteria provided, single submitter. Criteria: ACMG Guidelines, 2015. Collection method: clinical testing. Allele origin: germline. Inheritance: Autosomal recessive inheritance. Affected: yes. Observed: 1 variant allele, 1 homozygote.
Comment: A homozygous variant c.1151A>G in exon 8 of the IDUA gene that results in the amino acid substitution of Arginine to Lysine at codon 384 was detected. This variant has not been reported in the 1000 genomes and gnomAD databases. The in-silico prediction of the variant is deleterious by MutationTester, SIFT, FATHMM and DANN. In summary, the variant meets our criteria to be classified as likely pathogenic.